The following is an entry in ClinVar:

NM_033380.3(COL4A5):c.1075G>C (p.Gly359Arg)

Gene: COL4A5 (collagen type IV alpha 5 chain; plus strand). Cytogenetic location: Xq22.3.
Variant type: single nucleotide variant.
Coding change: c.1075G>C on transcript NM_033380.3 (MANE Select); coding-DNA position 1075, G replaced by C.
Protein change: p.Gly359Arg; replaces glycine 359 with arginine.
Molecular consequence: missense variant.
Genome position (GRCh38, 1-based): chrX:108,586,657, G>C. VCF-style: chrX-108586657-G-C. GRCh37 (hg19) VCF-style: chrX-107829887-G-C.
Other names: c.1075G>C, p.Gly359Arg (NM_000495.5); short protein forms G359R.
Identifiers: ClinVar variation 2884116 (VCV002884116.3), dbSNP rs1569492122, ClinGen allele CA413930209.

ClinVar aggregate classification (germline): Likely pathogenic (1 of 4 stars; one submission).

Submission:

Labcorp Genetics (formerly Invitae), Labcorp
Classification: Likely pathogenic. Last evaluated: 2023-06-18. Review status: criteria provided, single submitter. Criteria: Invitae Variant Classification Sherloc (09022015). Collection method: clinical testing. Allele origin: germline.
Comment: This variant is not present in population databases (gnomAD no frequency). This sequence change replaces glycine, which is neutral and non-polar, with arginine, which is basic and polar, at codon 359 of the COL4A5 protein (p.Gly359Arg). In summary, the currently available evidence indicates that the variant is pathogenic, but additional data are needed to prove that conclusively. Therefore, this variant has been classified as Likely Pathogenic. This variant disrupts the triple helix domain of COL4A5. Glycine residues within the Gly-Xaa-Yaa repeats of the triple helix domain are required for the structure and stability of fibrillar collagens (PMID: 7695699, 8218237, 19344236). In COL4A5, missense variants at these glycine residues are significantly enriched in individuals with disease (PMID: 23720012, 27627812) compared to the general population (ExAC). Advanced modeling of protein sequence and biophysical properties (such as structural, functional, and spatial information, amino acid conservation, physicochemical variation, residue mobility, and thermodynamic stability) performed at Invitae indicates that this missense variant is expected to disrupt COL4A5 protein function. This missense change has been observed in individual(s) with clinical features of Alport syndrome (PMID: 24033287, 29270492, 33226606).

Literature cited by the submitters: PubMed 7695699; PubMed 8218237; PubMed 19344236; PubMed 23720012; PubMed 27627812; PubMed 24033287; PubMed 29270492; PubMed 33226606.